The following is an entry in ClinVar:

NM_001042492.3(NF1):c.6657dup (p.Ile2220fs)

Gene: NF1 (neurofibromin 1; plus strand). Cytogenetic location: 17q11.2.
Variant type: Duplication.
Coding change: c.6657dup on transcript NM_001042492.3 (MANE Select); coding-DNA position 6657, one base duplicated (T; older notation c.6657dupT).
Protein change: p.Ile2220fs; shifts the reading frame from isoleucine 2220.
Molecular consequence: frameshift variant.
Genome position (GRCh38, 1-based): chr17:31,337,833, T duplicated. VCF-style (leftmost placement, unchanged base first): chr17-31337832-A-AT. GRCh37 (hg19) VCF-style: chr17-29664850-A-AT.
Other names: c.6594dup, p.Ile2199fs (NM_000267.4); short protein forms I2199fs, I2220fs.
Identifiers: ClinVar variation 4887824 (VCV004887824.1).

ClinVar aggregate classification (germline): Pathogenic (1 of 4 stars; one submission).

Submission:

GeneDx
Classification: Pathogenic. Last evaluated: 2026-02-25. Review status: criteria provided, single submitter. Criteria: GeneDx Variant Classification Process June 2021. Collection method: clinical testing. Allele origin: germline.
Comment: Frameshift variant predicted to result in protein truncation or nonsense mediated decay in a gene for which loss of function is a known mechanism of disease; Not observed at significant frequency in large population cohorts (gnomAD); Also known as c.6593insT; This variant is associated with the following publications: (PMID: 10607834)